The following is an entry in ClinVar:

NM_006766.5(KAT6A):c.3868C>T (p.Gln1290Ter)

Gene: KAT6A (lysine acetyltransferase 6A; minus strand). Cytogenetic location: 8p11.21.
Variant type: single nucleotide variant.
Coding change: c.3868C>T on transcript NM_006766.5 (MANE Select); coding-DNA position 3868, C replaced by T.
Protein change: p.Gln1290Ter; replaces glutamine 1290 with a stop codon.
Molecular consequence: nonsense.
Genome position (GRCh38, 1-based): chr8:41,934,352, G>A on the plus strand (C>T on the coding strand, the complement: KAT6A is on the minus strand). VCF-style: chr8-41934352-G-A. GRCh37 (hg19) VCF-style: chr8-41791870-G-A.
Other names: short protein forms Q1290*.
Identifiers: ClinVar variation 5019661 (VCV005019661.1).
Genomic context (GRCh38, chr8:41,934,352, plus strand): 5'-GGGCAGTCTCTGCAGCTGCATCTTCCTCCTCCTCTGGCTCTGGCTCCTCTAATTCCTGCT[G>A]CTCCTCCTCTGACTGCCTCTGCTCCTCTGAGACACGGGGCTTCTCTTCTTCCTCCTCCAC-3'

ClinVar aggregate classification (germline): Likely pathogenic (1 of 4 stars; one submission).

Conditions:
Autosomal dominant intellectual disability-craniofacial anomalies-cardiac defects syndrome (ARTHS). Also called: Arboleda-Tham syndrome; Mental retardation, autosomal dominant 32; KAT6A syndrome. Identifiers: Orphanet 457193, MedGen C4225396, MONDO:0014558, OMIM 616268.

Submission:

Juno Genomics, Hangzhou Juno Genomics, Inc
Classification: Likely pathogenic for Autosomal dominant intellectual disability-craniofacial anomalies-cardiac defects syndrome. Review status: criteria provided, single submitter. Criteria: ACMG Guidelines, 2015. Collection method: clinical testing. Allele origin: germline. Affected: yes.
Comment: Absent from controls (or at extremely low frequency if recessive) in Genome Aggregation Database.;De novo (both maternity and paternity confirmed) in a patient with the disease and no family history.;Null variant in a gene where loss of function (LOF) is a known mechanism of disease.